The following is an entry in ClinVar:

ClinVar aggregate classification (germline): Uncertain significance (1 of 4 stars; one submission).

Conditions:
Polyhydramnios, megalencephaly, and symptomatic epilepsy (PMSE). Also called: PMSE SYNDROME. Identifiers: Orphanet 500533, MedGen C1970203, MONDO:0012611, OMIM 611087.

Submission:

Labcorp Genetics (formerly Invitae), Labcorp
Classification: Uncertain significance for Polyhydramnios, megalencephaly, and symptomatic epilepsy. Last evaluated: 2025-05-11. Review status: criteria provided, single submitter. Criteria: Invitae Variant Classification Sherloc (09022015). Collection method: clinical testing. Allele origin: germline.
Comment: This sequence change replaces glycine, which is neutral and non-polar, with alanine, which is neutral and non-polar, at codon 275 of the STRADA protein (p.Gly275Ala). This variant is not present in population databases (gnomAD no frequency). This variant has not been reported in the literature in individuals affected with STRADA-related conditions. An algorithm developed to predict the effect of missense changes on protein structure and function (PolyPhen-2) suggests that this variant is likely to be disruptive. In summary, the available evidence is currently insufficient to determine the role of this variant in disease. Therefore, it has been classified as a Variant of Uncertain Significance.

NM_001003787.4(STRADA):c.824G>C (p.Gly275Ala)

Gene: STRADA (STE20 related adaptor alpha; minus strand). Cytogenetic location: 17q23.3.
Variant type: single nucleotide variant.
Coding change: c.824G>C on transcript NM_001003787.4 (MANE Select); coding-DNA position 824, G replaced by C.
Protein change: p.Gly275Ala; replaces glycine 275 with alanine.
Molecular consequence: missense variant. On other transcripts: non-coding transcript variant (1).
Genome position (GRCh38, 1-based): chr17:63,706,669, C>G on the plus strand (G>C on the coding strand, the complement: STRADA is on the minus strand). VCF-style: chr17-63706669-C-G. GRCh37 (hg19) VCF-style: chr17-61784029-C-G.
Other names: c.713G>C, p.Gly238Ala (NM_001003786.3, NM_001363789.1, NM_153335.6); c.650G>C, p.Gly217Ala (NM_001003788.3, NM_001363790.1, NM_001363791.1); c.737G>C, p.Gly246Ala (NM_001165969.2, NM_001363787.1, NM_001411084.1); c.692G>C, p.Gly231Ala (NM_001165970.2); c.800G>C, p.Gly267Ala (NM_001363786.1); c.824G>C, p.Gly275Ala (NM_001363788.1, NM_001411083.1); c.652G>C, p.Ala218Pro (NM_001411085.1); short protein forms A218P, G231A, G238A, G246A, G267A, G217A, G275A.
Identifiers: ClinVar variation 4701542 (VCV004701542.1).
Genomic context (GRCh38, chr17:63,706,669, plus strand): 5'-AGGAAACCGATGGGCGGCAGGCTTACCTGGGTGGCAGGCATATCCTTAAAGGGGACATGG[C>G]CGTTGGCCAGTTCACAGGCTGTGATTCCCACACTGTAGATGTCAGACTTGGCATCATAAC-3'
Protein context (NP_001003787.1, residues 265-285): VGITACELAN[Gly275Ala]HVPFKDMPAT